The following is an entry in ClinVar:

ClinVar aggregate classification (germline): Uncertain significance. Review status: criteria provided, multiple submitters, no conflicts (2 of 4 stars). 2 submissions from 2 submitters: Uncertain significance (2). Last evaluated 2022-10-14.

Allele frequency attached by ClinVar (database versions not stated): gnomAD exomes below 0.00001; gnomAD 0.00001; ExAC 0.00002; TOPMed 0.00002; ESP Exome Variant Server 0.00008.
gnomAD v4.1: 2 of 1,613,632 alleles (0.00012%); highest among the groups gnomAD compares: African/African-American, 0.0027%; no homozygotes.

Submissions (2):

Blueprint Genetics
Classification: Uncertain significance. Last evaluated: 2022-10-14. Review status: criteria provided, single submitter. Criteria: ACMG Guidelines, 2015. Collection method: clinical testing. Allele origin: germline.

Labcorp Genetics (formerly Invitae), Labcorp
Classification: Uncertain significance. Last evaluated: 2022-02-02. Review status: criteria provided, single submitter. Criteria: Invitae Variant Classification Sherloc (09022015). Collection method: clinical testing. Allele origin: germline.
Comment: In summary, the available evidence is currently insufficient to determine the role of this variant in disease. Therefore, it has been classified as a Variant of Uncertain Significance. Algorithms developed to predict the effect of missense changes on protein structure and function are either unavailable or do not agree on the potential impact of this missense change (SIFT: "Deleterious"; PolyPhen-2: "Probably Damaging"; Align-GVGD: "Class C0"). ClinVar contains an entry for this variant (Variation ID: 1040096). This missense change has been observed in individual(s) with autosomal recessive retinitis pigmentosa (PMID: 33691693). This variant is present in population databases (rs372268962, gnomAD 0.01%). This sequence change replaces glycine, which is neutral and non-polar, with aspartic acid, which is acidic and polar, at codon 142 of the PDE6A protein (p.Gly142Asp).

Literature cited by the submitters: PubMed 33691693 (cited by Labcorp Genetics (formerly Invitae), Labcorp).

NM_000440.3(PDE6A):c.425G>A (p.Gly142Asp)

Gene: PDE6A (phosphodiesterase 6A; minus strand). Cytogenetic location: 5q32.
Variant type: single nucleotide variant.
Coding change: c.425G>A on transcript NM_000440.3 (MANE Select); coding-DNA position 425, G replaced by A.
Protein change: p.Gly142Asp; replaces glycine 142 with aspartic acid.
Molecular consequence: missense variant.
Genome position (GRCh38, 1-based): chr5:149,944,249, C>T on the plus strand (G>A on the coding strand, the complement: PDE6A is on the minus strand). VCF-style: chr5-149944249-C-T. GRCh37 (hg19) VCF-style: chr5-149323812-C-T.
Other names: short protein forms G142D.
Identifiers: ClinVar variation 1040096 (VCV001040096.9), dbSNP rs372268962, ClinGen allele CA3505056.